The following is an entry in ClinVar:

ClinVar aggregate classification (germline): Uncertain significance (1 of 4 stars; one submission).

Submission:

GeneDx
Classification: Uncertain significance. Last evaluated: 2025-03-13. Review status: criteria provided, single submitter. Criteria: GeneDx Variant Classification Process June 2021. Collection method: clinical testing. Allele origin: germline. Affected: yes.
Comment: Has not been previously published as pathogenic or benign to our knowledge; Not observed at significant frequency in large population cohorts (gnomAD); In silico analysis indicates that this missense variant does not alter protein structure/function

NM_006079.5(CITED2):c.76C>G (p.His26Asp)

Gene: CITED2 (Cbp/p300 interacting transactivator with Glu/Asp rich carboxy-terminal domain 2; minus strand). Cytogenetic location: 6q24.1.
Variant type: single nucleotide variant.
Coding change: c.76C>G on transcript NM_006079.5 (MANE Select); coding-DNA position 76, C replaced by G.
Protein change: p.His26Asp; replaces histidine 26 with aspartic acid.
Molecular consequence: missense variant.
Genome position (GRCh38, 1-based): chr6:139,373,869, G>C on the plus strand (C>G on the coding strand, the complement: CITED2 is on the minus strand). VCF-style: chr6-139373869-G-C. GRCh37 (hg19) VCF-style: chr6-139695006-G-C.
Other names: c.76C>G, p.His26Asp (NM_001168388.3); c.91C>G, p.His31Asp (NM_001168389.3); short protein forms H26D, H31D.
Identifiers: ClinVar variation 4083282 (VCV004083282.1).